The following is an entry in ClinVar:

NM_001267550.2(TTN):c.31105G>A (p.Glu10369Lys)

Gene: TTN (titin; minus strand). Cytogenetic location: 2q31.2.
Variant type: single nucleotide variant.
Coding change: c.31105G>A on transcript NM_001267550.2 (MANE Select); coding-DNA position 31105, G replaced by A.
Protein change: p.Glu10369Lys; replaces glutamic acid 10369 with lysine.
Molecular consequence: missense variant. On other transcripts: intron variant (3).
Genome position (GRCh38, 1-based): chr2:178,695,967, C>T on the plus strand (G>A on the coding strand, the complement: TTN is on the minus strand). VCF-style: chr2-178695967-C-T. GRCh37 (hg19) VCF-style: chr2-179560694-C-T.
Other names: c.30154G>A, p.Glu10052Lys (NM_001256850.1); c.27373G>A, p.Glu9125Lys (NM_133378.4); c.13282+42115G>A (NM_003319.4); c.13858+42115G>A (NM_133437.4); c.13657+42115G>A (NM_133432.3); short protein forms E10369K, E10052K, E9125K.
Identifiers: ClinVar variation 285994 (VCV000285994.6), dbSNP rs886043278, ClinGen allele CA10605327.

ClinVar aggregate classification (germline): Uncertain significance. Review status: criteria provided, multiple submitters, no conflicts (2 of 4 stars). 2 submissions from 2 submitters: Uncertain significance (2). Last evaluated 2026-02-19.

Conditions:
TTN-related disorder. Also called: TTN-related condition; TTN-related disease; TTN-related disorders.

Submissions (2):

PreventionGenetics, part of Exact Sciences
Classification: Uncertain significance for TTN-related condition. Last evaluated: 2026-02-19. Review status: criteria provided, single submitter. Criteria: ACMG Guidelines, 2015. Collection method: clinical testing. Allele origin: germline.
Comment: The TTN c.31105G>A variant is predicted to result in the amino acid substitution p.Glu10369Lys. To our knowledge, this variant has not been reported in the literature or in a large population database (gnomAD), indicating this variant is rare. At this time, the clinical significance of this variant is uncertain due to the absence of conclusive functional and genetic evidence.

Eurofins Ntd Llc (ga)
Classification: Uncertain significance. Last evaluated: 2016-02-02. Review status: criteria provided, single submitter. Criteria: EGL Classification Definitions 2015. Collection method: clinical testing. Allele origin: germline. Observed: 1 variant allele, 1 heterozygote.